The following is an entry in ClinVar:

ClinVar aggregate classification (germline): Uncertain significance (1 of 4 stars; one submission).

Submission:

Labcorp Genetics (formerly Invitae), Labcorp
Classification: Uncertain significance. Last evaluated: 2025-10-08. Review status: criteria provided, single submitter. Criteria: Invitae Variant Classification Sherloc (09022015). Collection method: clinical testing. Allele origin: germline.
Comment: This sequence change replaces aspartic acid, which is acidic and polar, with asparagine, which is neutral and polar, at codon 2829 of the FAT2 protein (p.Asp2829Asn). This variant is not present in population databases (gnomAD no frequency). This variant has not been reported in the literature in individuals affected with FAT2-related conditions. An algorithm developed to predict the effect of missense changes on protein structure and function outputs the following: PolyPhen-2: "Benign". The asparagine amino acid residue is found in multiple mammalian species, which suggests that this missense change does not adversely affect protein function. In summary, the available evidence is currently insufficient to determine the role of this variant in disease. Therefore, it has been classified as a Variant of Uncertain Significance.

NM_001447.3(FAT2):c.8485G>A (p.Asp2829Asn)

Genes: FAT2 (FAT atypical cadherin 2; minus strand), SLC36A1 (solute carrier family 36 member 1; plus strand). Cytogenetic location: 5q33.1.
Variant type: single nucleotide variant.
Coding change: c.8485G>A on transcript NM_001447.3 (MANE Select); coding-DNA position 8485, G replaced by A.
Protein change: p.Asp2829Asn; replaces aspartic acid 2829 with asparagine.
Molecular consequence: missense variant.
Genome position (GRCh38, 1-based): chr5:151,542,642, C>T on the plus strand (G>A on the coding strand, the complement: FAT2 is on the minus strand). VCF-style: chr5-151542642-C-T. GRCh37 (hg19) VCF-style: chr5-150922203-C-T.
Other names: short protein forms D2829N.
Identifiers: ClinVar variation 4762273 (VCV004762273.1).
Genomic context (GRCh38, chr5:151,542,642, plus strand): 5'-CAAAGAGCTCATGGACATTGCTACCAGGGTCTGCAGACAGCCTGTAGCTCACCTGGCCAT[C>T]TCTCCCAGTGTCCTTGTCAATGGCAGTCACTTGAATGACTGAGGTCCCCACTGGCATATT-3'
Protein context (NP_001438.1, residues 2819-2839): VTAIDKDTGR[Asp2829Asn]GQVSYRLSAD